The following is an entry in ClinVar:

ClinVar aggregate classification (germline): Pathogenic (1 of 4 stars; one submission).

Conditions:
Tuberous sclerosis 1 (TSC1). Identifiers: Orphanet 805, MedGen C1854465, MONDO:0008612, OMIM 191100.

Submission:

Labcorp Genetics (formerly Invitae), Labcorp
Classification: Pathogenic for Tuberous sclerosis 1. Last evaluated: 2021-04-11. Review status: criteria provided, single submitter. Criteria: Invitae Variant Classification Sherloc (09022015). Collection method: clinical testing. Allele origin: germline.
Comment: This sequence change creates a premature translational stop signal (p.Leu92*) in the TSC1 gene. It is expected to result in an absent or disrupted protein product. Loss-of-function variants in TSC1 are known to be pathogenic (PMID: 10227394, 17304050). This variant is not present in population databases (ExAC no frequency). This variant has not been reported in the literature in individuals with TSC1-related conditions. For these reasons, this variant has been classified as Pathogenic.

Literature cited by the submitters: PubMed 10227394; PubMed 17304050.

NM_000368.5(TSC1):c.275T>G (p.Leu92Ter)

Gene: TSC1 (TSC complex subunit 1; minus strand). Cytogenetic location: 9q34.13.
Variant type: single nucleotide variant.
Coding change: c.275T>G on transcript NM_000368.5 (MANE Select); coding-DNA position 275, T replaced by G.
Protein change: p.Leu92Ter; replaces leucine 92 with a stop codon.
Molecular consequence: nonsense. On other transcripts: 5 prime UTR variant (1), intron variant (1).
Genome position (GRCh38, 1-based): chr9:132,925,675, A>C on the plus strand (T>G on the coding strand, the complement: TSC1 is on the minus strand). VCF-style: chr9-132925675-A-C. GRCh37 (hg19) VCF-style: chr9-135801062-A-C.
Other names: c.275T>G, p.Leu92Ter (NM_001162426.2); c.-89T>G (NM_001362177.2); c.210+1526T>G (NM_001162427.2); short protein forms L92*.
Identifiers: ClinVar variation 1455218 (VCV001455218.1), dbSNP rs2132234958, ClinGen allele CA375374624.